The following is an entry in ClinVar:

ClinVar aggregate classification (germline): Benign. Review status: criteria provided, multiple submitters, no conflicts (2 of 4 stars). 5 submissions from 5 submitters: Benign (5). Last evaluated 2026-02-02.

Conditions:
Congenital microvillous atrophy (DIAR2). Also called: DAVIDSON DISEASE; MICROVILLUS ATROPHY, CONGENITAL; Microvillus inclusion disease; Diarrhea 2 with microvillus atrophy, with or without cholestasis; CONGENITAL FAMILIAL PROTRACTED DIARRHEA WITH ENTEROCYTE BRUSH-BORDER ABNORMALITIES. Identifiers: Orphanet 2290, MedGen C0341306, MONDO:0009635, OMIM 251850.

Allele frequency attached by ClinVar (database versions not stated): gnomAD exomes 0.03087 and 0.04603; ExAC 0.05013; ESP Exome Variant Server 0.08651; gnomAD 0.08753 and 0.09148; TOPMed 0.09215; 1000 Genomes Project 0.09844; 1000 Genomes Project 30x 0.10197.
gnomAD v4.1: 59,076 of 1,613,876 alleles (3.7%); highest among the groups gnomAD compares: African/African-American, 23%; 2,797 homozygotes.

Submissions (9):

Labcorp Genetics (formerly Invitae), Labcorp
Classification: Benign. Last evaluated: 2026-02-02. Review status: criteria provided, single submitter. Criteria: Invitae Variant Classification Sherloc (09022015). Collection method: clinical testing. Allele origin: germline.

Mayo Clinic Laboratories, Mayo Clinic
Classification: Benign. Last evaluated: 2022-09-06. Review status: criteria provided, single submitter. Criteria: ACMG Guidelines, 2015. Collection method: clinical testing. Allele origin: germline. Observed: 6 variant alleles.

GeneDx
Classification: Benign. Last evaluated: 2021-06-09. Review status: criteria provided, single submitter. Criteria: GeneDx Variant Classification Process June 2021. Collection method: clinical testing. Allele origin: germline. Affected: yes.

Illumina Laboratory Services, Illumina
Classification: Benign for Congenital microvillous atrophy. Last evaluated: 2018-01-13. Review status: criteria provided, single submitter. Criteria: ICSL Variant Classification Criteria 13 December 2019. Collection method: clinical testing. Allele origin: germline.
Comment: This variant was observed in the ICSL laboratory as part of a predisposition screen in an ostensibly healthy population. It had not been previously curated by ICSL or reported in the Human Gene Mutation Database (HGMD: prior to June 1st, 2018), and was therefore a candidate for classification through an automated scoring system. Utilizing variant allele frequency, disease prevalence and penetrance estimates, and inheritance mode, an automated score was calculated to assess if this variant is too frequent to cause the disease. Based on the score and internal cut-off values, a variant classified as benign is not then subjected to further curation. The score for this variant resulted in a classification of benign for this disease.

Breakthrough Genomics
Classification: Benign. Review status: criteria provided, single submitter. Criteria: ACMG Guidelines, 2015. Collection method: not provided. Allele origin: germline. Inheritance: Autosomal recessive inheritance. Affected: yes.

Dr. Peter K. Rogan Lab, Western University
No classification provided (evidence only). Condition: Malignant tumor of esophagus. Review status: no classification provided. Collection method: in vitro. Allele origin: not applicable. Functional consequence: skipped exon. Not counted in ClinVar's aggregate classification.

Dr. Peter K. Rogan Lab, Western University
No classification provided (evidence only). Condition: Malignant tumor of esophagus. Review status: no classification provided. Collection method: in vitro. Allele origin: not applicable. Functional consequence: skipped exon. Not counted in ClinVar's aggregate classification.

Dr. Peter K. Rogan Lab, Western University
No classification provided (evidence only). Condition: Malignant tumor of esophagus. Review status: no classification provided. Collection method: in vitro. Allele origin: not applicable. Functional consequence: skipped exon. Not counted in ClinVar's aggregate classification.

Dr. Peter K. Rogan Lab, Western University
No classification provided (evidence only). Condition: Malignant tumor of esophagus. Review status: no classification provided. Collection method: in vitro. Allele origin: not applicable. Functional consequence: skipped exon, retained intron. Not counted in ClinVar's aggregate classification.

NM_001080467.3(MYO5B):c.756+6T>C

Gene: MYO5B (myosin VB; minus strand). Cytogenetic location: 18q21.1.
Variant type: single nucleotide variant.
Coding change: c.756+6T>C on transcript NM_001080467.3 (MANE Select); 6 bases into the intron after coding-DNA position 756, T replaced by C.
Molecular consequence: intron variant.
Genome position (GRCh38, 1-based): chr18:49,992,282, A>G on the plus strand (T>C on the coding strand, the complement: MYO5B is on the minus strand). VCF-style: chr18-49992282-A-G. GRCh37 (hg19) VCF-style: chr18-47518652-A-G.
Other names: p.?.
Identifiers: ClinVar variation 327080 (VCV000327080.18), dbSNP rs16951370, ClinGen allele CA8961802.
Genomic context (GRCh38, chr18:49,992,282, plus strand): 5'-CAGGGAGCAGAAGTAAGGTAATTGTCCATGAGAAATACACAAAAGGGCGCAAATCCTCCC[A>G]CTCACCTGGAAGACCACTCTGGACTTCTCCAAGAGGTAAGTCCTCATGTTGGCCCCGATG-3'